The following is an entry in ClinVar:

NM_000937.5(POLR2A):c.4867T>C (p.Ser1623Pro)

Gene: POLR2A (RNA polymerase II subunit A; plus strand). Cytogenetic location: 17p13.1.
Variant type: single nucleotide variant.
Coding change: c.4867T>C on transcript NM_000937.5 (MANE Select); coding-DNA position 4867, T replaced by C.
Protein change: p.Ser1623Pro; replaces serine 1623 with proline.
Molecular consequence: missense variant.
Genome position (GRCh38, 1-based): chr17:7,513,131, T>C. VCF-style: chr17-7513131-T-C. GRCh37 (hg19) VCF-style: chr17-7416450-T-C.
Other names: short protein forms S1623P.
Identifiers: ClinVar variation 1311686 (VCV001311686.2), dbSNP rs2150890719, ClinGen allele CA397833634.

ClinVar aggregate classification (germline): Uncertain significance (1 of 4 stars; one submission).

Submission:

GeneDx
Classification: Uncertain significance. Last evaluated: 2019-12-24. Review status: criteria provided, single submitter. Criteria: GeneDx Variant Classification Process June 2021. Collection method: clinical testing. Allele origin: germline. Affected: yes.
Comment: Not observed in large population cohorts (Lek et al., 2016); In silico analysis, which includes protein predictors and evolutionary conservation, supports a deleterious effect; Has not been previously published as pathogenic or benign to our knowledge